The following is an entry in ClinVar:

ClinVar aggregate classification (germline): Likely pathogenic (1 of 4 stars; one submission).

Conditions:
Hereditary pulmonary alveolar proteinosis. Also called: Pulmonary surfactant metabolism dysfunction. Identifiers: Orphanet 264675, MedGen C3711368, MONDO:0012580.

Submission:

Ambry Genetics
Classification: Likely pathogenic for Hereditary pulmonary alveolar proteinosis. Last evaluated: 2018-08-14. Review status: criteria provided, single submitter. Criteria: Ambry Variant Classification Scheme 2023. Collection method: clinical testing. Allele origin: germline.
Comment: The p.Y113H variant (also known as c.337T>C), located in coding exon 4 of the SFTPC gene, results from a T to C substitution at nucleotide position 337. The tyrosine at codon 113 is replaced by histidine, an amino acid with similar properties. This variant was not reported in the ExAC database, with coverage at this position. This amino acid position is highly conserved in available vertebrate species. In addition, the in silico prediction for this alteration is inconclusive. Based on the majority of available evidence to date, this variant is likely to be pathogenic.

Literature cited by the submitters: PubMed 28157837.

NM_001317778.2(SFTPC):c.337T>C (p.Tyr113His)

Gene: SFTPC (surfactant protein C; plus strand). Cytogenetic location: 8p21.3.
Variant type: single nucleotide variant.
Coding change: c.337T>C on transcript NM_001317778.2 (MANE Select); coding-DNA position 337, T replaced by C.
Protein change: p.Tyr113His; replaces tyrosine 113 with histidine.
Molecular consequence: missense variant.
Genome position (GRCh38, 1-based): chr8:22,163,448, T>C. VCF-style: chr8-22163448-T-C. GRCh37 (hg19) VCF-style: chr8-22020961-T-C.
Other names: c.337T>C, p.Tyr113His (NM_001385656.1, NM_001385657.1, NM_001385653.1 and 8 more transcripts); c.178T>C, p.Tyr60His (NM_001317779.2, NM_001385660.1); short protein forms Y60H, Y113H.
Identifiers: ClinVar variation 1730814 (VCV001730814.2), dbSNP rs2538945227, ClinGen allele CA370537609.
Genomic context (GRCh38, chr8:22,163,448, plus strand): 5'-GAGAGCAGGGCAGGGACCCCCGAATGATCTCCAGCATTCTGTGCCTAGCTGCTGATCGCC[T>C]ACAAGCCAGCCCCTGGCACCTGCTGCTACATCATGAAGATAGCTCCAGAGAGCATCCCCA-3'
Protein context (NP_001304707.1, residues 103-123): VYDYQQLLIA[Tyr113His]KPAPGTCCYI